The following is an entry in ClinVar:

NM_012479.4(YWHAG):c.434C>T (p.Thr145Met)

Gene: YWHAG (tyrosine 3-monooxygenase/tryptophan 5-monooxygenase activation protein gamma; minus strand). Cytogenetic location: 7q11.23.
Variant type: single nucleotide variant.
Coding change: c.434C>T on transcript NM_012479.4 (MANE Select); coding-DNA position 434, C replaced by T.
Protein change: p.Thr145Met; replaces threonine 145 with methionine.
Molecular consequence: missense variant.
Genome position (GRCh38, 1-based): chr7:76,329,887, G>A on the plus strand (C>T on the coding strand, the complement: YWHAG is on the minus strand). VCF-style: chr7-76329887-G-A. GRCh37 (hg19) VCF-style: chr7-75959204-G-A.
Other names: c.434C>T (NM_012479.3); short protein forms T145M.
Identifiers: ClinVar variation 1378466 (VCV001378466.7), dbSNP rs773949985, ClinGen allele CA4306535.
Genomic context (GRCh38, chr7:76,329,887, plus strand): 5'-ATGTGCTCTTTGCTGATCTCGTGGGCTTCGCTGTAGGCCTTCTCGGAGGACTCCACCACC[G>A]TCGCCCTTTTCTCTCCGGTGGCCACTTCAGCCAGGTAGCGGTAGTAGTCCCCTTTCATCT-3'
Protein context (NP_036611.2, residues 135-155): AEVATGEKRA[Thr145Met]VVESSEKAYS

ClinVar aggregate classification (germline): Uncertain significance. Review status: criteria provided, multiple submitters, no conflicts (2 of 4 stars). 2 submissions from 2 submitters: Uncertain significance (2). Last evaluated 2025-06-16.

Conditions:
Inborn genetic diseases. Identifiers: MedGen C0950123, MeSH D030342.

Allele frequency attached by ClinVar (database versions not stated): TOPMed below 0.00001; ExAC 0.00001; gnomAD 0.00001; gnomAD exomes 0.00001.
gnomAD v4.1: 8 of 1,613,878 alleles (0.0005%); highest among the groups gnomAD compares: South Asian, 0.0033%; no homozygotes.

Submissions (2):

Labcorp Genetics (formerly Invitae), Labcorp
Classification: Uncertain significance. Last evaluated: 2025-06-16. Review status: criteria provided, single submitter. Criteria: Invitae Variant Classification Sherloc (09022015). Collection method: clinical testing. Allele origin: germline.
Comment: This sequence change replaces threonine, which is neutral and polar, with methionine, which is neutral and non-polar, at codon 145 of the YWHAG protein (p.Thr145Met). This variant is present in population databases (rs773949985, gnomAD 0.002%). This variant has not been reported in the literature in individuals affected with YWHAG-related conditions. ClinVar contains an entry for this variant (Variation ID: 1378466). Invitae Evidence Modeling of protein sequence and biophysical properties (such as structural, functional, and spatial information, amino acid conservation, physicochemical variation, residue mobility, and thermodynamic stability) indicates that this missense variant is not expected to disrupt YWHAG protein function with a negative predictive value of 80%. In summary, the available evidence is currently insufficient to determine the role of this variant in disease. Therefore, it has been classified as a Variant of Uncertain Significance.

Ambry Genetics
Classification: Uncertain significance for Inborn genetic diseases. Last evaluated: 2024-05-14. Review status: criteria provided, single submitter. Criteria: Ambry Variant Classification Scheme 2023. Collection method: clinical testing. Allele origin: germline.